The following is an entry in ClinVar:

NM_000051.4(ATM):c.3558A>T (p.Glu1186Asp)

Gene: ATM (ATM serine/threonine kinase; plus strand). Cytogenetic location: 11q22.3.
Variant type: single nucleotide variant.
Coding change: c.3558A>T on transcript NM_000051.4 (MANE Select); coding-DNA position 3558, A replaced by T.
Protein change: p.Glu1186Asp; replaces glutamic acid 1186 with aspartic acid.
Molecular consequence: missense variant.
Genome position (GRCh38, 1-based): chr11:108,281,150, A>T. VCF-style: chr11-108281150-A-T. GRCh37 (hg19) VCF-style: chr11-108151877-A-T.
Other names: c.3558A>T, p.Glu1186Asp (NM_001351834.2); short protein forms E1186D.
Identifiers: ClinVar variation 485209 (VCV000485209.20), dbSNP rs12786957, ClinGen allele CA382520555.

ClinVar aggregate classification (germline): Uncertain significance. Review status: criteria provided, multiple submitters, no conflicts (2 of 4 stars). 4 submissions from 4 submitters: Uncertain significance (3). 1 of the submissions does not count toward it. Last evaluated 2025-05-04.

Conditions:
Hereditary cancer-predisposing syndrome. Also called: Hereditary neoplastic syndrome; Neoplastic Syndromes, Hereditary; Tumor predisposition; Hereditary Cancer Syndrome. Identifiers: Orphanet 140162, MedGen C0027672, MeSH D009386, MONDO:0015356.
Ataxia-telangiectasia syndrome (AT). Also called: LOUIS-BAR SYNDROME; Cerebello-oculocutaneous telangiectasia; Immunodeficiency with ataxia telangiectasia; AT, COMPLEMENTATION GROUP C; Ataxia-telangiectasia, complementation group D; ATAXIA-TELANGIECTASIA, COMPLEMENTATION GROUP A. Identifiers: Orphanet 100, MedGen C0004135, MONDO:0008840, OMIM 208900.

Allele frequency attached by ClinVar (database versions not stated): gnomAD exomes below 0.00001.
gnomAD v4.1: 1 of 1,613,914 alleles (0.000062%); highest among the groups gnomAD compares: East Asian, 0.0022%; no homozygotes.

Submissions (4):

Labcorp Genetics (formerly Invitae), Labcorp
Classification: Uncertain significance for Ataxia-telangiectasia syndrome. Last evaluated: 2025-05-04. Review status: criteria provided, single submitter. Criteria: Invitae Variant Classification Sherloc (09022015). Collection method: clinical testing. Allele origin: germline.
Comment: This sequence change replaces glutamic acid, which is acidic and polar, with aspartic acid, which is acidic and polar, at codon 1186 of the ATM protein (p.Glu1186Asp). This variant is present in population databases (no rsID available, gnomAD 0.006%). This variant has not been reported in the literature in individuals affected with ATM-related conditions. ClinVar contains an entry for this variant (Variation ID: 485209). Invitae Evidence Modeling of protein sequence and biophysical properties (such as structural, functional, and spatial information, amino acid conservation, physicochemical variation, residue mobility, and thermodynamic stability) indicates that this missense variant is not expected to disrupt ATM protein function with a negative predictive value of 95%. In summary, the available evidence is currently insufficient to determine the role of this variant in disease. Therefore, it has been classified as a Variant of Uncertain Significance.

Ambry Genetics
Classification: Uncertain significance for Hereditary cancer-predisposing syndrome. Last evaluated: 2022-11-16. Review status: criteria provided, single submitter. Criteria: Ambry Variant Classification Scheme 2023. Collection method: clinical testing. Allele origin: germline.
Comment: The p.E1186D variant (also known as c.3558A>T), located in coding exon 23 of the ATM gene, results from an A to T substitution at nucleotide position 3558. The glutamic acid at codon 1186 is replaced by aspartic acid, an amino acid with highly similar properties. This amino acid position is well conserved in available vertebrate species. In addition, this alteration is predicted to be tolerated by in silico analysis. Since supporting evidence is limited at this time, the clinical significance of this alteration remains unclear.

Color Diagnostics, LLC DBA Color Health
Classification: Uncertain significance for Hereditary cancer-predisposing syndrome. Last evaluated: 2022-07-26. Review status: criteria provided, single submitter. Criteria: ACMG Guidelines, 2015. Collection method: clinical testing. Allele origin: germline.
Comment: This missense variant replaces glutamic acid with aspartic acid at codon 1186 of the ATM protein. Computational prediction suggests that this variant may not impact protein structure and function (internally defined REVEL score threshold <= 0.5, PMID: 27666373). To our knowledge, functional studies have not been reported for this variant. This variant has been detected in a breast cancer case-control meta-analysis in 2/60466 cases and 2/53461 unaffected individuals (PMID: 33471991; Leiden Open Variation Database DB-ID ATM_002255). This variant has been identified in 1/251328 chromosomes in the general population by the Genome Aggregation Database (gnomAD). The available evidence is insufficient to determine the role of this variant in disease conclusively. Therefore, this variant is classified as a Variant of Uncertain Significance.

Natera, Inc.
Classification: Uncertain significance for Ataxia-telangiectasia. Last evaluated: 2021-09-21. Review status: no assertion criteria provided. Collection method: clinical testing. Allele origin: germline. Not counted in ClinVar's aggregate classification.

Literature cited by the submitters: PubMed 22529920 (cited by Ambry Genetics); PubMed 33471991 (cited by Color Diagnostics, LLC DBA Color Health).